The following is an entry in ClinVar:

NM_152744.4(SDK1):c.4626-8C>T

Gene: SDK1 (sidekick cell adhesion molecule 1; plus strand). Cytogenetic location: 7p22.2.
Variant type: single nucleotide variant.
Coding change: c.4626-8C>T on transcript NM_152744.4 (MANE Select); 8 bases into the intron before coding-DNA position 4626, C replaced by T.
Molecular consequence: intron variant.
Genome position (GRCh38, 1-based): chr7:4,158,440, C>T. VCF-style: chr7-4158440-C-T. GRCh37 (hg19) VCF-style: chr7-4198072-C-T.
Other names: c.87-8C>T (NM_001079653.2).
Identifiers: ClinVar variation 2657250 (VCV002657250.24), dbSNP rs201486360, ClinGen allele CA4135175.
Genomic context (GRCh38, chr7:4,158,440, plus strand): 5'-ACCAGGAATGCCTGAGGGCAGGACAGGGTGGCAGGGCCCCGGCAGTCACGGTCTCTTCCA[C>T]ATTGCAGACTGAGGCCCTTCACCTCCTACAAGCTGCGCCTGAAAGCCACCAACGACATTG-3'

ClinVar aggregate classification (germline): Likely benign (1 of 4 stars; one submission).

Allele frequency attached by ClinVar (database versions not stated): TOPMed 0.00137; gnomAD 0.00162; 1000 Genomes Project 30x 0.00219; 1000 Genomes Project 0.00220; ESP Exome Variant Server 0.00231; ExAC 0.00324.
gnomAD v4.1: 4,288 of 1,609,624 alleles (0.27%); highest among the groups gnomAD compares: South Asian, 1%; 29 homozygotes.

Submission:

CeGaT Center for Human Genetics Tuebingen
Classification: Likely benign. Last evaluated: 2023-01-01. Review status: criteria provided, single submitter. Criteria: CeGaT Center For Human Genetics Tuebingen Variant Classification Criteria Version 2. Collection method: clinical testing. Allele origin: germline. Affected: yes. Observed: 1 variant allele.
Comment: SDK1: BP4, BS2